The following is an entry in ClinVar:

ClinVar aggregate classification (germline): Uncertain significance (1 of 4 stars; one submission).

Submission:

GeneDx
Classification: Uncertain significance. Last evaluated: 2020-07-06. Review status: criteria provided, single submitter. Criteria: GeneDx Variant Classification Process June 2021. Collection method: clinical testing. Allele origin: germline. Affected: yes.
Comment: Not observed in large population cohorts (Lek et al., 2016); In silico analysis supports that this missense variant has a deleterious effect on protein structure/function; Has not been previously published as pathogenic or benign to our knowledge

NM_001377229.1(DISP1):c.1163A>G (p.His388Arg)

Gene: DISP1 (dispatched RND transporter family member 1; plus strand). Cytogenetic location: 1q41.
Variant type: single nucleotide variant.
Coding change: c.1163A>G on transcript NM_001377229.1 (MANE Select); coding-DNA position 1163, A replaced by G.
Protein change: p.His388Arg; replaces histidine 388 with arginine.
Molecular consequence: missense variant.
Genome position (GRCh38, 1-based): chr1:223,002,560, A>G. VCF-style: chr1-223002560-A-G. GRCh37 (hg19) VCF-style: chr1-223175902-A-G.
Other names: c.434A>G, p.His145Arg (NM_001350630.2); c.1163A>G, p.His388Arg (NM_001369594.1, NM_001377228.1, NM_032890.5); short protein forms H145R, H388R.
Identifiers: ClinVar variation 1312894 (VCV001312894.2), dbSNP rs2102795504, ClinGen allele CA344678590.
Genomic context (GRCh38, chr1:223,002,560, plus strand): 5'-AGAAAATAGTTGAGCGAGACGTTTCTCATACCTTGAAGCTGCTTCGGACTTGTGCCAAAC[A>G]CTACCAAAATGGCACTCTGGGGCCAGACTGCTGGGACATGGCAGCCAGAAGAAAGGACCA-3'
Protein context (NP_001364158.1, residues 378-398): TLKLLRTCAK[His388Arg]YQNGTLGPDC